The following is an entry in ClinVar:

ClinVar aggregate classification (germline): Uncertain significance (1 of 4 stars; one submission).

Allele frequency attached by ClinVar (database versions not stated): TOPMed below 0.00001; gnomAD 0.00001.
gnomAD v4.1: 2 of 1,613,652 alleles (0.00012%); highest among the groups gnomAD compares: South Asian, 0.0011%; no homozygotes.

Submission:

Labcorp Genetics (formerly Invitae), Labcorp
Classification: Uncertain significance. Last evaluated: 2023-07-14. Review status: criteria provided, single submitter. Criteria: Invitae Variant Classification Sherloc (09022015). Collection method: clinical testing. Allele origin: germline.
Comment: In summary, the available evidence is currently insufficient to determine the role of this variant in disease. Therefore, it has been classified as a Variant of Uncertain Significance. Algorithms developed to predict the effect of missense changes on protein structure and function output the following: SIFT: "Not Available"; PolyPhen-2: "Not Available"; Align-GVGD: "Not Available". The glutamine amino acid residue is found in multiple mammalian species, which suggests that this missense change does not adversely affect protein function. This variant has not been reported in the literature in individuals affected with PCLO-related conditions. This variant is not present in population databases (gnomAD no frequency). This sequence change replaces histidine, which is basic and polar, with glutamine, which is neutral and polar, at codon 2530 of the PCLO protein (p.His2530Gln).

NM_033026.6(PCLO):c.7590C>A (p.His2530Gln)

Gene: PCLO (piccolo presynaptic cytomatrix protein; minus strand). Cytogenetic location: 7q21.11.
Variant type: single nucleotide variant.
Coding change: c.7590C>A on transcript NM_033026.6 (MANE Select); coding-DNA position 7590, C replaced by A.
Protein change: p.His2530Gln; replaces histidine 2530 with glutamine.
Molecular consequence: missense variant.
Genome position (GRCh38, 1-based): chr7:82,953,363, G>T on the plus strand (C>A on the coding strand, the complement: PCLO is on the minus strand). VCF-style: chr7-82953363-G-T. GRCh37 (hg19) VCF-style: chr7-82582679-G-T.
Other names: c.7590C>A, p.His2530Gln (NM_014510.3); short protein forms H2530Q.
Identifiers: ClinVar variation 2743199 (VCV002743199.3), dbSNP rs1343536136, ClinGen allele CA367916635.